The following is an entry in ClinVar:

ClinVar aggregate classification (germline): Likely benign. Review status: reviewed by expert panel (3 of 4 stars). 11 submissions from 11 submitters: Likely benign (1). 10 of the submissions do not count toward it. Last evaluated 2025-01-07.

Conditions:
Pleuropulmonary blastoma (PPB). Identifiers: Orphanet 64742, MedGen C1266144, MONDO:0011014, OMIM 601200, HP:0100528.
Euthyroid goiter (MNG1). Also called: Goiter, multinodular 1, with or without Sertoli-Leydig cell tumors; SIMPLE GOITER; GOITER, NONTOXIC, WITH INTRATHYROIDAL CALCIFICATION; MULTINODULAR GOITER, ADOLESCENT. Identifiers: Orphanet 276399, MedGen C0302859, MONDO:0007681, OMIM 138800, HP:0009798.
Rhabdomyosarcoma, embryonal, 2 (RMSE2). Identifiers: MedGen C1867234, MONDO:0859046, OMIM 180295.
Global developmental delay - lung cysts - overgrowth - Wilms tumor syndrome. Also called: GLOBAL DEVELOPMENTAL DELAY, LUNG CYSTS, OVERGROWTH, AND WILMS TUMOR; GLOW Syndrome. Identifiers: Orphanet 404476, MedGen C4748924, MONDO:0018445, OMIM 618272.
DICER1-related disorder. Also called: DICER1-related condition.
DICER1-related tumor predisposition. Also called: DICER1 syndrome; DICER1-related pleuropulmonary blastoma cancer predisposition syndrome. Identifiers: Orphanet 284343, MedGen C3839822, MONDO:0100216.
Hereditary cancer-predisposing syndrome. Also called: Neoplastic Syndromes, Hereditary; Tumor predisposition; Hereditary Cancer Syndrome; Hereditary neoplastic syndrome. Identifiers: Orphanet 140162, MedGen C0027672, MeSH D009386, MONDO:0015356.

Allele frequency attached by ClinVar (database versions not stated): TOPMed 0.00004; ExAC 0.00005; gnomAD exomes 0.00005 and 0.00018; gnomAD 0.00007.
gnomAD v4.1: 258 of 1,613,772 alleles (0.016%); highest among the groups gnomAD compares: Non-Finnish European, 0.021%; no homozygotes.

Submissions (11):

ClinGen DICER1 and miRNA-Processing Gene Variant Curation Expert Panel, ClinGen
Classification: Likely benign for DICER1-related tumor predisposition. Last evaluated: 2025-01-07. Review status: reviewed by expert panel. Criteria: ClinGen DICER1 ACMG Specifications DICER1 V1.3.0. Collection method: curation. Allele origin: germline. Inheritance: Autosomal dominant inheritance.
Comment: The NM_177438.3:c.179C>T variant in DICER1 is a missense variant predicted to cause substitution of threonine by isoleucine at amino acid 60 (p.Thr60Ile). Although this variant has been observed in germline cases, to our knowledge, this variant has not been reported in individuals with DICER1-related tumor predisposition (PS4 not met; PMIDs: 29399970, 37019617, 24728327, Internal lab contributors). This variant has been seen in 40 or more unrelated females without tumors through age 50 in at least one testing laboratory (BS2; Internal lab contributors). The total allele frequency in gnomAD v4.1.0 is 0.0001599 (258/1613772 alleles) with a highest population minor allele frequency of 0.0002144 (253/1179916 alleles) in the European (non-Finnish) population (PM2_Supporting, BS1, and BA1 are not met). In silico tools predict no damaging impact of the variant on protein function (REVEL: 0.32; MaxEntScan and SpliceAI: no effect on splicing) (BP4). In summary, this variant meets the criteria to be classified as Likely Benign for DICER1-related tumor predisposition based on the ACMG/AMP criteria applied, as specified by the ClinGen DICER1 VCEP: BS2, BP4. (Bayesian Points: -5; VCEP specifications version 1.3.0; 01/07/2025)

PreventionGenetics, part of Exact Sciences
Classification: Likely benign for DICER1-related condition. Last evaluated: 2026-03-05. Review status: criteria provided, single submitter. Criteria: ACMG Guidelines, 2015. Collection method: clinical testing. Allele origin: germline. Not counted in ClinVar's aggregate classification.
Comment: This variant is classified as likely benign based on ACMG/AMP sequence variant interpretation guidelines (Richards et al. 2015 PMID: 25741868, with internal and published modifications).

Labcorp Genetics (formerly Invitae), Labcorp
Classification: Likely benign for DICER1-related tumor predisposition. Last evaluated: 2026-01-26. Review status: criteria provided, single submitter. Criteria: Invitae Variant Classification Sherloc (09022015). Collection method: clinical testing. Allele origin: germline. Not counted in ClinVar's aggregate classification.

Center for Genomic Medicine, Rigshospitalet, Copenhagen University Hospital
Classification: Likely benign. Last evaluated: 2025-12-29. Review status: criteria provided, single submitter. Criteria: ACMG Guidelines, 2015. Collection method: clinical testing. Allele origin: germline. Not counted in ClinVar's aggregate classification.

Quest Diagnostics Nichols Institute San Juan Capistrano
Classification: Uncertain significance. Last evaluated: 2025-01-06. Review status: criteria provided, single submitter. Criteria: Quest Diagnostics criteria. Collection method: clinical testing. Allele origin: unknown. Not counted in ClinVar's aggregate classification.
Comment: The DICER1 c.179C>T (p.Thr60Ile) variant has been reported in the published literature in an individual with a personal or family history of breast/ovarian cancer (PMID: 38874686 (2024)), as well as in a reportedly healthy individual (PMID: 24728327 (2014)). The frequency of this variant in the general population (Genome Aggregation Database) is uninformative in the assessment of its pathogenicity. Analysis of this variant using bioinformatics tools for the prediction of the effect of amino acid changes on protein structure and function yielded conflicting predictions that this variant is deleterious or benign. Based on the available information, we are unable to determine the clinical significance of this variant.

Ambry Genetics
Classification: Uncertain significance for Hereditary cancer-predisposing syndrome. Last evaluated: 2024-07-03. Review status: criteria provided, single submitter. Criteria: Ambry Variant Classification Scheme 2023. Collection method: clinical testing. Allele origin: germline. Not counted in ClinVar's aggregate classification.
Comment: The p.T60I variant (also known as c.179C>T), located in coding exon 2 of the DICER1 gene, results from a C to T substitution at nucleotide position 179. The threonine at codon 60 is replaced by isoleucine, an amino acid with similar properties. This amino acid position is highly conserved in available vertebrate species. In addition, the in silico prediction for this alteration is inconclusive. Based on the available evidence, the clinical significance of this variant remains unclear.

Fulgent Genetics
Classification: Uncertain significance for Euthyroid goiter; Rhabdomyosarcoma, embryonal, 2; Pleuropulmonary blastoma; Global developmental delay - lung cysts - overgrowth - Wilms tumor syndrome. Last evaluated: 2024-05-08. Review status: criteria provided, single submitter. Criteria: ACMG Guidelines, 2015. Collection method: clinical testing. Allele origin: germline. Not counted in ClinVar's aggregate classification.

Baylor Genetics
Classification: Uncertain significance for Global developmental delay - lung cysts - overgrowth - Wilms tumor syndrome. Last evaluated: 2024-03-07. Review status: criteria provided, single submitter. Criteria: ACMG Guidelines, 2015. Collection method: clinical testing. Allele origin: unknown. Not counted in ClinVar's aggregate classification.

ARUP Laboratories, Molecular Genetics and Genomics, ARUP Laboratories
Classification: Uncertain significance. Last evaluated: 2023-11-07. Review status: criteria provided, single submitter. Criteria: ARUP Molecular Germline Variant Investigation Process 2024. Collection method: clinical testing. Allele origin: germline. Not counted in ClinVar's aggregate classification.
Comment: The DICER1 c.179C>T; p.Thr60Ile variant (rs587778228), to our knowledge, is not reported in the medical literature in affected individuals but is found in healthy controls (Bodian 2014). This variant is also reported in ClinVar (Variation ID: 133968). This variant is found in the non-Finnish European population with an allele frequency of 0.01% (14/129096 alleles) in the Genome Aggregation Database. Computational analyses are uncertain whether this variant is neutral or deleterious (REVEL: 0.32). Due to limited information, the clinical significance of the p.Thr60Ile variant is uncertain at this time. References: Bodian DL et al. Germline variation in cancer-susceptibility genes in a healthy, ancestrally diverse cohort: implications for individual genome sequencing. PLoS One. 2014 Apr 11;9(4):e94554. PMID: 24728327.

GeneDx
Classification: Uncertain significance. Last evaluated: 2022-07-20. Review status: criteria provided, single submitter. Criteria: GeneDx Variant Classification Process June 2021. Collection method: clinical testing. Allele origin: germline. Affected: yes. Not counted in ClinVar's aggregate classification.
Comment: In silico analysis supports that this missense variant does not alter protein structure/function; Has not been previously published as pathogenic or benign to our knowledge; This variant is associated with the following publications: (PMID: 24728327)

ITMI
No classification provided. Condition: AllHighlyPenetrant. Last evaluated: 2013-09-19. Review status: no classification provided. Collection method: reference population. Allele origin: germline. Not counted in ClinVar's aggregate classification.
Comment: Please see associated publication for description of ethnicities

Literature cited by the submitters: PubMed 24728327 (cited by 3 submitters); PubMed 38874686 (cited by Quest Diagnostics Nichols Institute San Juan Capistrano).

NM_177438.3(DICER1):c.179C>T (p.Thr60Ile)

Gene: DICER1 (dicer 1, ribonuclease III; minus strand). Cytogenetic location: 14q32.13.
Variant type: single nucleotide variant.
Coding change: c.179C>T on transcript NM_177438.3 (MANE Select); coding-DNA position 179, C replaced by T.
Protein change: p.Thr60Ile; replaces threonine 60 with isoleucine.
Molecular consequence: missense variant.
Genome position (GRCh38, 1-based): chr14:95,132,643, G>A on the plus strand (C>T on the coding strand, the complement: DICER1 is on the minus strand). VCF-style: chr14-95132643-G-A. GRCh37 (hg19) VCF-style: chr14-95598980-G-A.
Other names: NM_177438.3(DICER1):c.179C>T; p.Thr60Ile; c.179C>T, p.Thr60Ile (NM_001195573.1, NM_001271282.3, NM_001291628.2 and 1 more transcripts); short protein forms T60I.
Identifiers: ClinVar variation 133968 (VCV000133968.37), dbSNP rs587778228, ClinGen allele CA158267.